The following is an entry in ClinVar:

NM_005477.3(HCN4):c.3410C>G (p.Pro1137Arg)

Gene: HCN4 (hyperpolarization activated cyclic nucleotide gated potassium channel 4; minus strand). Cytogenetic location: 15q24.1.
Variant type: single nucleotide variant.
Coding change: c.3410C>G on transcript NM_005477.3 (MANE Select); coding-DNA position 3410, C replaced by G.
Protein change: p.Pro1137Arg; replaces proline 1137 with arginine.
Molecular consequence: missense variant.
Genome position (GRCh38, 1-based): chr15:73,322,683, G>C on the plus strand (C>G on the coding strand, the complement: HCN4 is on the minus strand). VCF-style: chr15-73322683-G-C. GRCh37 (hg19) VCF-style: chr15-73615024-G-C.
Other names: short protein forms P1137R.
Identifiers: ClinVar variation 3283654 (VCV003283654.1).

ClinVar aggregate classification (germline): Uncertain significance (1 of 4 stars; one submission).

Conditions:
Cardiovascular phenotype. Identifiers: MedGen CN230736.

Submission:

Ambry Genetics
Classification: Uncertain significance for Cardiovascular phenotype. Last evaluated: 2024-04-19. Review status: criteria provided, single submitter. Criteria: Ambry Variant Classification Scheme 2023. Collection method: clinical testing. Allele origin: germline.
Comment: The p.P1137R variant (also known as c.3410C>G), located in coding exon 8 of the HCN4 gene, results from a C to G substitution at nucleotide position 3410. The proline at codon 1137 is replaced by arginine, an amino acid with dissimilar properties. This amino acid position is conserved. In addition, this alteration is predicted to be tolerated by in silico analysis. Based on the available evidence, the clinical significance of this variant remains unclear.